The following is an entry in ClinVar:

NM_015215.4(CAMTA1):c.4751A>G (p.Tyr1584Cys)

Gene: CAMTA1 (calmodulin binding transcription activator 1; plus strand). Cytogenetic location: 1p36.23.
Variant type: single nucleotide variant.
Coding change: c.4751A>G on transcript NM_015215.4 (MANE Select); coding-DNA position 4751, A replaced by G.
Protein change: p.Tyr1584Cys; replaces tyrosine 1584 with cysteine.
Molecular consequence: missense variant.
Genome position (GRCh38, 1-based): chr1:7,751,260, A>G. VCF-style: chr1-7751260-A-G. GRCh37 (hg19) VCF-style: chr1-7811320-A-G.
Other names: c.4661A>G, p.Tyr1554Cys (NM_001349608.2); c.4433A>G, p.Tyr1478Cys (NM_001349609.2, NM_001349610.2); c.4343A>G, p.Tyr1448Cys (NM_001349612.2); c.1880A>G, p.Tyr627Cys (NM_001349613.1); c.1844A>G, p.Tyr615Cys (NM_001349614.1, NM_001349615.2, NM_001349616.2); c.1823A>G, p.Tyr608Cys (NM_001349617.1, NM_001349618.2); c.1505A>G, p.Tyr502Cys (NM_001349619.2, NM_001349620.1, NM_001349621.1 and 1 more transcripts); c.1484A>G, p.Tyr495Cys (NM_001349623.1, NM_001349624.3, NM_001349625.2 and 1 more transcripts); and 2 more; short protein forms Y1447C, Y1448C, Y1471C, Y1478C, Y1554C, Y1584C, Y495C, Y502C.
Identifiers: ClinVar variation 3370760 (VCV003370760.1).

ClinVar aggregate classification (germline): Uncertain significance (1 of 4 stars; one submission).

Submission:

GeneDx
Classification: Uncertain significance. Last evaluated: 2024-03-07. Review status: criteria provided, single submitter. Criteria: GeneDx Variant Classification Process June 2021. Collection method: clinical testing. Allele origin: germline. Affected: yes.
Comment: Not observed at significant frequency in large population cohorts (gnomAD); In silico analysis supports that this missense variant has a deleterious effect on protein structure/function; Has not been previously published as pathogenic or benign to our knowledge